The following is an entry in ClinVar:

NM_000318.3(PEX2):c.142C>G (p.Leu48Val)

Gene: PEX2 (peroxisomal biogenesis factor 2; minus strand). Cytogenetic location: 8q21.13.
Variant type: single nucleotide variant.
Coding change: c.142C>G on transcript NM_000318.3 (MANE Select); coding-DNA position 142, C replaced by G.
Protein change: p.Leu48Val; replaces leucine 48 with valine.
Molecular consequence: missense variant.
Genome position (GRCh38, 1-based): chr8:76,984,037, G>C on the plus strand (C>G on the coding strand, the complement: PEX2 is on the minus strand). VCF-style: chr8-76984037-G-C. GRCh37 (hg19) VCF-style: chr8-77896273-G-C.
Other names: c.142C>G, p.Leu48Val (NM_001079867.2, NM_001172086.2, NM_001172087.2); short protein forms L48V.
Identifiers: ClinVar variation 1714825 (VCV001714825.5), dbSNP rs1806928643, ClinGen allele CA371558001.

ClinVar aggregate classification (germline): Uncertain significance (1 of 4 stars; one submission).

Conditions:
Peroxisome biogenesis disorder 5A (Zellweger) (PBD5A). Identifiers: Orphanet 912, MedGen C3553940, MONDO:0013932, OMIM 614866.

Submission:

Labcorp Genetics (formerly Invitae), Labcorp
Classification: Uncertain significance for Peroxisome biogenesis disorder 5A (Zellweger). Last evaluated: 2022-08-02. Review status: criteria provided, single submitter. Criteria: Invitae Variant Classification Sherloc (09022015). Collection method: clinical testing. Allele origin: germline.
Comment: This sequence change replaces leucine, which is neutral and non-polar, with valine, which is neutral and non-polar, at codon 48 of the PEX2 protein (p.Leu48Val). In summary, the available evidence is currently insufficient to determine the role of this variant in disease. Therefore, it has been classified as a Variant of Uncertain Significance. Algorithms developed to predict the effect of missense changes on protein structure and function (SIFT, PolyPhen-2, Align-GVGD) all suggest that this variant is likely to be tolerated. This variant has not been reported in the literature in individuals affected with PEX2-related conditions. This variant is not present in population databases (gnomAD no frequency).